The following is an entry in ClinVar:

ClinVar aggregate classification (germline): Likely benign. Review status: criteria provided, multiple submitters, no conflicts (2 of 4 stars). 2 submissions from 2 submitters: Likely benign (2). Last evaluated 2026-01-26.

Conditions:
Lysinuric protein intolerance (LPI). Identifiers: Orphanet 470, MedGen C0268647, MONDO:0009109, OMIM 222700.

Allele frequency attached by ClinVar (database versions not stated): ExAC 0.00004; gnomAD 0.00006; TOPMed 0.00008; ESP Exome Variant Server 0.00015; 1000 Genomes Project 30x 0.00016; 1000 Genomes Project 0.00020.
gnomAD v4.1: 29 of 1,614,054 alleles (0.0018%); highest among the groups gnomAD compares: African/African-American, 0.024%; no homozygotes.

Submissions (2):

Labcorp Genetics (formerly Invitae), Labcorp
Classification: Likely benign for Lysinuric protein intolerance. Last evaluated: 2026-01-26. Review status: criteria provided, single submitter. Criteria: Invitae Variant Classification Sherloc (09022015). Collection method: clinical testing. Allele origin: germline.

GeneDx
Classification: Likely benign. Last evaluated: 2017-11-09. Review status: criteria provided, single submitter. Criteria: GeneDx Variant Classification (06012015). Collection method: clinical testing. Allele origin: germline. Affected: yes.
Comment: This variant is considered likely benign or benign based on one or more of the following criteria: it is a conservative change, it occurs at a poorly conserved position in the protein, it is predicted to be benign by multiple in silico algorithms, and/or has population frequency not consistent with disease.

NM_003982.4(SLC7A7):c.1425C>T (p.Ile475=)

Gene: SLC7A7 (solute carrier family 7 member 7; minus strand). Cytogenetic location: 14q11.2.
Variant type: single nucleotide variant.
Coding change: c.1425C>T on transcript NM_003982.4 (MANE Select); coding-DNA position 1425, C replaced by T.
Protein change: p.Ile475=; no amino-acid change (isoleucine 475 retained).
Molecular consequence: synonymous variant.
Genome position (GRCh38, 1-based): chr14:22,773,937, G>A on the plus strand (C>T on the coding strand, the complement: SLC7A7 is on the minus strand). VCF-style: chr14-22773937-G-A. GRCh37 (hg19) VCF-style: chr14-23243146-G-A.
Other names: c.1425C>T, p.Ile475= (NM_001126105.3, NM_001126106.4).
Identifiers: ClinVar variation 512990 (VCV000512990.12), dbSNP rs373156106, ClinGen allele CA7104395.
Genomic context (GRCh38, chr14:22,773,937, plus strand): 5'-AAAGGCAAAAACCAAGCTCTGCAATAGCTGAGCGGACTTAAGGATGCACGGCTTACCCAC[G>A]ATCCTTCGGAGGTAAAGCGGTCGCTTATGTTCTGGCACTCTGATGATGAGGAAGTAAAAG-3'
Protein context (NP_003973.3, residues 465-485): EHKRPLYLRR[Ile475=]VGSATRYLQV